The following is an entry in ClinVar:

NM_001401501.2(MUC16):c.10938T>C (p.Ser3646=)

Gene: MUC16 (mucin 16, cell surface associated; minus strand). Cytogenetic location: 19p13.2.
Variant type: single nucleotide variant.
Coding change: c.10938T>C on transcript NM_001401501.2 (MANE Select); coding-DNA position 10938, T replaced by C.
Protein change: p.Ser3646=; no amino-acid change (serine 3646 retained).
Molecular consequence: synonymous variant.
Genome position (GRCh38, 1-based): chr19:8,965,952, A>G on the plus strand (T>C on the coding strand, the complement: MUC16 is on the minus strand). VCF-style: chr19-8965952-A-G. GRCh37 (hg19) VCF-style: chr19-9076628-A-G.
Other names: c.11364T>C, p.Ser3788= (NM_001414686.1); c.10818T>C, p.Ser3606= (NM_001414687.1, NM_024690.2).
Identifiers: ClinVar variation 2649262 (VCV002649262.25), dbSNP rs202073283, ClinGen allele CA9171387.

ClinVar aggregate classification (germline): Likely benign. Review status: criteria provided, single submitter (1 of 4 stars). 2 submissions from 2 submitters: Likely benign (1). 1 of the submissions does not count toward it. Last evaluated 2023-04-01.

Conditions:
MUC16-related disorder. Also called: MUC16-related condition.

Allele frequency attached by ClinVar (database versions not stated): ESP Exome Variant Server 0.00105; TOPMed 0.00124; gnomAD 0.00140; 1000 Genomes Project 30x 0.00156; ExAC 0.00176; 1000 Genomes Project 0.00180; gnomAD exomes 0.00202.

Submissions (2):

CeGaT Center for Human Genetics Tuebingen
Classification: Likely benign. Last evaluated: 2023-04-01. Review status: criteria provided, single submitter. Criteria: CeGaT Center For Human Genetics Tuebingen Variant Classification Criteria Version 2. Collection method: clinical testing. Allele origin: germline. Affected: yes. Observed: 1 variant allele.
Comment: MUC16: BP4, BP7

PreventionGenetics, part of Exact Sciences
Classification: Likely benign for MUC16-related condition. Last evaluated: 2019-02-26. Review status: no assertion criteria provided. Collection method: clinical testing. Allele origin: germline. Not counted in ClinVar's aggregate classification.
Comment: This variant is classified as likely benign based on ACMG/AMP sequence variant interpretation guidelines (Richards et al. 2015 PMID: 25741868, with internal and published modifications).